The following is an entry in ClinVar:

NM_004069.6(AP2S1):c.153+5C>T

Gene: AP2S1 (adaptor related protein complex 2 subunit sigma 1; minus strand). Cytogenetic location: 19q13.32.
Variant type: single nucleotide variant.
Coding change: c.153+5C>T on transcript NM_004069.6 (MANE Select); 5 bases into the intron after coding-DNA position 153, C replaced by T.
Molecular consequence: intron variant.
Genome position (GRCh38, 1-based): chr19:46,845,988, G>A on the plus strand (C>T on the coding strand, the complement: AP2S1 is on the minus strand). VCF-style: chr19-46845988-G-A. GRCh37 (hg19) VCF-style: chr19-47349245-G-A.
Other names: c.153+5C>T (NM_021575.5, NM_001301078.3); c.159+5C>T (NM_001301081.3); c.201+5C>T (NM_001301076.3).
Identifiers: ClinVar variation 1395311 (VCV001395311.7), dbSNP rs747850028, ClinGen allele CA9532996.

ClinVar aggregate classification (germline): Uncertain significance. Review status: criteria provided, multiple submitters, no conflicts (2 of 4 stars). 2 submissions from 2 submitters: Uncertain significance (2). Last evaluated 2025-10-19.

Conditions:
Familial hypocalciuric hypercalcemia 3. Also called: Hypocalciuric hypercalcemia, familial, type III; FAMILIAL BENIGN HYPERCALCEMIA, TYPE III; HYPERCALCEMIA, FAMILIAL BENIGN, OKLAHOMA TYPE; Hypocalciuric hypercalcemia, type III. Identifiers: Orphanet 101050, Orphanet 405, MedGen C1833372, MONDO:0010926, OMIM 600740.

Allele frequency attached by ClinVar (database versions not stated): gnomAD exomes 0.00002 and 0.00007; gnomAD 0.00004; ExAC 0.00007; TOPMed 0.00009.
gnomAD v4.1: 38 of 1,613,900 alleles (0.0024%); highest among the groups gnomAD compares: East Asian, 0.031%; no homozygotes.

Submissions (2):

Labcorp Genetics (formerly Invitae), Labcorp
Classification: Uncertain significance. Last evaluated: 2025-10-19. Review status: criteria provided, single submitter. Criteria: Invitae Variant Classification Sherloc (09022015). Collection method: clinical testing. Allele origin: germline.
Comment: This sequence change falls in intron 2 of the AP2S1 gene. It does not directly change the encoded amino acid sequence of the AP2S1 protein. It affects a nucleotide within the consensus splice site. This variant is present in population databases (rs747850028, gnomAD 0.06%), and has an allele count higher than expected for a pathogenic variant. This variant has not been reported in the literature in individuals affected with AP2S1-related conditions. ClinVar contains an entry for this variant (Variation ID: 1395311). Variants that disrupt the consensus splice site are a relatively common cause of aberrant splicing (PMID: 17576681, 9536098). Algorithms developed to predict the effect of sequence changes on RNA splicing suggest that this variant is not likely to affect RNA splicing. In summary, the available evidence is currently insufficient to determine the role of this variant in disease. Therefore, it has been classified as a Variant of Uncertain Significance.

Fulgent Genetics
Classification: Uncertain significance for Familial hypocalciuric hypercalcemia 3. Last evaluated: 2022-05-15. Review status: criteria provided, single submitter. Criteria: ACMG Guidelines, 2015. Collection method: clinical testing. Allele origin: unknown.

Literature cited by the submitters: PubMed 17576681 (cited by Labcorp Genetics (formerly Invitae), Labcorp); PubMed 9536098 (cited by Labcorp Genetics (formerly Invitae), Labcorp).